The following is an entry in ClinVar:

ClinVar aggregate classification (germline): Uncertain significance (1 of 4 stars; one submission).

Conditions:
Pyruvate dehydrogenase E3 deficiency (DLDD). Also called: Dihydrolipoamide Dehydrogenase (E3) Deficiency; MAPLE SYRUP URINE DISEASE, TYPE III; DLD DEFICIENCY; E3 DEFICIENCY; Dihydrolipoamide Dehydrogenase E3 Deficiency; Lipoamide dehydrogenase deficiency, lactic acidosis due to. Identifiers: Orphanet 2394, Orphanet 765, MedGen C5574660, MONDO:0009529, OMIM 246900.

Submission:

Labcorp Genetics (formerly Invitae), Labcorp
Classification: Uncertain significance for Pyruvate dehydrogenase E3 deficiency. Last evaluated: 2024-06-29. Review status: criteria provided, single submitter. Criteria: Invitae Variant Classification Sherloc (09022015). Collection method: clinical testing. Allele origin: germline.
Comment: This sequence change replaces arginine, which is basic and polar, with glycine, which is neutral and non-polar, at codon 234 of the DLD protein (p.Arg234Gly). This variant is not present in population databases (gnomAD no frequency). This variant has not been reported in the literature in individuals affected with DLD-related conditions. Advanced modeling of protein sequence and biophysical properties (such as structural, functional, and spatial information, amino acid conservation, physicochemical variation, residue mobility, and thermodynamic stability) performed at Invitae indicates that this missense variant is expected to disrupt DLD protein function with a positive predictive value of 80%. In summary, the available evidence is currently insufficient to determine the role of this variant in disease. Therefore, it has been classified as a Variant of Uncertain Significance.

NM_000108.5(DLD):c.700A>G (p.Arg234Gly)

Gene: DLD (dihydrolipoamide dehydrogenase; plus strand). Cytogenetic location: 7q31.1.
Variant type: single nucleotide variant.
Coding change: c.700A>G on transcript NM_000108.5 (MANE Select); coding-DNA position 700, A replaced by G.
Protein change: p.Arg234Gly; replaces arginine 234 with glycine.
Molecular consequence: missense variant.
Genome position (GRCh38, 1-based): chr7:107,915,521, A>G. VCF-style: chr7-107915521-A-G. GRCh37 (hg19) VCF-style: chr7-107555966-A-G.
Other names: c.403A>G, p.Arg135Gly (NM_001289750.1); c.631A>G, p.Arg211Gly (NM_001289751.1); c.556A>G, p.Arg186Gly (NM_001289752.1); short protein forms R135G, R186G, R211G, R234G.
Identifiers: ClinVar variation 3657496 (VCV003657496.2).